The following is an entry in ClinVar:

NM_003748.4(ALDH4A1):c.12_17del (p.4PA[1])

Genes: ALDH4A1 (aldehyde dehydrogenase 4 family member A1; minus strand), LOC129929550 (ATAC-STARR-seq lymphoblastoid silent region 346; plus strand). Cytogenetic location: 1p36.13.
Variant type: Deletion.
Coding change: c.12_17del on transcript NM_003748.4 (MANE Select); coding-DNA positions 12 to 17, 6 bases deleted (GGCGCC; older notation c.12_17delGGCGCC).
Protein change: p.4PA[1].
Molecular consequence: inframe deletion.
Genome position (GRCh38, 1-based): chr1:18,902,507-18,902,512, GGCGCC deleted on the plus strand (GGCGCC on the coding strand, the reverse complement: ALDH4A1 is on the minus strand); deleting any 6 consecutive bases within chr1:18,902,507-18,902,515 gives the same sequence; the c. name uses the placement nearest the transcript's 3' end. VCF-style (leftmost placement, unchanged base first): chr1-18902506-GGGCGCC-G. GRCh37 (hg19) VCF-style: chr1-19229000-GGGCGCC-G.
Other names: c.12_17del, p.4PA[1] (NM_001319218.2, NM_170726.3).
Identifiers: ClinVar variation 1400040 (VCV001400040.7), dbSNP rs768891033, ClinGen allele CA647557.

ClinVar aggregate classification (germline): Uncertain significance. Review status: criteria provided, multiple submitters, no conflicts (2 of 4 stars). 2 submissions from 2 submitters: Uncertain significance (2). Last evaluated 2023-12-11.

Conditions:
Hyperprolinemia type 2 (HYRPRO2). Also called: Deficiency of pyrroline-5-carboxylate reductase; Delta-1-pyrroline-5-carboxylate dehydrogenase deficiency; 1-PYRROLINE-5-CARBOXYLATE DEHYDROGENASE DEFICIENCY. Identifiers: Orphanet 79101, MedGen C2931835, MONDO:0009401, OMIM 239510.

Submissions (2):

Labcorp Genetics (formerly Invitae), Labcorp
Classification: Uncertain significance for Hyperprolinemia type 2. Last evaluated: 2023-12-11. Review status: criteria provided, single submitter. Criteria: Invitae Variant Classification Sherloc (09022015). Collection method: clinical testing. Allele origin: germline.
Comment: This variant, c.12_17del, results in the deletion of 2 amino acid(s) of the ALDH4A1 protein (p.Pro6_Ala7del), but otherwise preserves the integrity of the reading frame. The frequency data for this variant in the population databases is considered unreliable, as metrics indicate poor data quality at this position in the gnomAD database. This variant has not been reported in the literature in individuals affected with ALDH4A1-related conditions. ClinVar contains an entry for this variant (Variation ID: 1400040). Experimental studies and prediction algorithms are not available or were not evaluated, and the functional significance of this variant is currently unknown. In summary, the available evidence is currently insufficient to determine the role of this variant in disease. Therefore, it has been classified as a Variant of Uncertain Significance.

Fulgent Genetics
Classification: Uncertain significance for Hyperprolinemia type 2. Last evaluated: 2022-01-26. Review status: criteria provided, single submitter. Criteria: ACMG Guidelines, 2015. Collection method: clinical testing. Allele origin: unknown.